The following is an entry in ClinVar:

NM_016816.4(OAS1):c.724C>T (p.Arg242Ter)

Gene: OAS1 (2'-5'-oligoadenylate synthetase 1; plus strand). Cytogenetic location: 12q24.13.
Variant type: single nucleotide variant.
Coding change: c.724C>T on transcript NM_016816.4 (MANE Select); coding-DNA position 724, C replaced by T.
Protein change: p.Arg242Ter; replaces arginine 242 with a stop codon.
Molecular consequence: nonsense. On other transcripts: non-coding transcript variant (9).
Genome position (GRCh38, 1-based): chr12:112,916,578, C>T. VCF-style: chr12-112916578-C-T. GRCh37 (hg19) VCF-style: chr12-113354383-C-T.
Other names: c.724C>T, p.Arg242Ter (NM_001032409.3, NM_001320151.2, NM_001406022.1 and 2 more transcripts); c.700C>T, p.Arg234Ter (NM_001406020.1, NM_001406021.1, NM_001406023.1 and 2 more transcripts); c.250C>T, p.Arg84Ter (NM_001406026.1, NM_001406027.1, NM_001406029.1 and 1 more transcripts); short protein forms R234*, R242*, R84*.
Identifiers: ClinVar variation 2993352 (VCV002993352.3), dbSNP rs772478452, ClinGen allele CA6799877.
Genomic context (GRCh38, chr12:112,916,578, plus strand): 5'-AAGCTTGGGAAGCTGCCACCTCAGTATGCCCTGGAGCTCCTGACGGTCTATGCTTGGGAG[C>T]GAGGGAGCATGAAAACACATTTCAACACAGCCCAGGGATTTCGGACGGTCTTGGAATTAG-3'

ClinVar aggregate classification (germline): Uncertain significance (1 of 4 stars; one submission).

Allele frequency attached by ClinVar (database versions not stated): ExAC 0.00001; gnomAD 0.00001; TOPMed 0.00001.
gnomAD v4.1: 12 of 1,613,924 alleles (0.00074%); highest among the groups gnomAD compares: South Asian, 0.0022%; no homozygotes.

Submission:

Labcorp Genetics (formerly Invitae), Labcorp
Classification: Uncertain significance. Last evaluated: 2024-06-12. Review status: criteria provided, single submitter. Criteria: Invitae Variant Classification Sherloc (09022015). Collection method: clinical testing. Allele origin: germline.
Comment: This sequence change creates a premature translational stop signal (p.Arg242*) in the OAS1 gene. It is expected to result in an absent or disrupted protein product. However, the current clinical and genetic evidence is not sufficient to establish whether loss-of-function variants in OAS1 cause disease. This variant is present in population databases (rs772478452, gnomAD 0.003%). This variant has not been reported in the literature in individuals affected with OAS1-related conditions. In summary, the available evidence is currently insufficient to determine the role of this variant in disease. Therefore, it has been classified as a Variant of Uncertain Significance.